The following is an entry in ClinVar:

NM_006005.3(WFS1):c.2484C>A (p.Ile828=)

Gene: WFS1 (wolframin ER transmembrane glycoprotein; plus strand). Cytogenetic location: 4p16.1.
Variant type: single nucleotide variant.
Coding change: c.2484C>A on transcript NM_006005.3 (MANE Select); coding-DNA position 2484, C replaced by A.
Protein change: p.Ile828=; no amino-acid change (isoleucine 828 retained).
Molecular consequence: synonymous variant.
Genome position (GRCh38, 1-based): chr4:6,302,279, C>A. VCF-style: chr4-6302279-C-A. GRCh37 (hg19) VCF-style: chr4-6304006-C-A.
Other names: c.2484C>A, p.Ile828= (NM_001145853.1).
Identifiers: ClinVar variation 2442291 (VCV002442291.4), dbSNP rs779957380, ClinGen allele CA2839753.

ClinVar aggregate classification (germline): Likely benign. Review status: criteria provided, multiple submitters, no conflicts (2 of 4 stars). 2 submissions from 2 submitters: Likely benign (2). Last evaluated 2025-05-02.

Conditions:
Wolfram syndrome 1 (WFS1). Identifiers: Orphanet 3463, MedGen C4551693, MONDO:0009101, OMIM 222300.

Allele frequency attached by ClinVar (database versions not stated): TOPMed 0.00003; ExAC 0.00002; gnomAD 0.00002.
gnomAD v4.1: 10 of 1,605,732 alleles (0.00062%); highest among the groups gnomAD compares: African/African-American, 0.012%; no homozygotes.

Submissions (2):

Labcorp Genetics (formerly Invitae), Labcorp
Classification: Likely benign. Last evaluated: 2025-05-02. Review status: criteria provided, single submitter. Criteria: Invitae Variant Classification Sherloc (09022015). Collection method: clinical testing. Allele origin: germline.

Clinical Genomics, Uppaluri K&H Personalized Medicine Clinic
Classification: Likely benign for Wolfram syndrome 1. Review status: criteria provided, single submitter. Criteria: K & H Uppaluri Personalized Medicine Clinic Variant Classification & Assertion Criteria_Updated V.1. Collection method: research. Allele origin: unknown. Inheritance: Autosomal recessive inheritance.
Comment: Potent mutations in WFS1 gene are associated with Wolfram's syndrome, an autosomal recessive condition, which cause diabetes mellitus, diabetes insipidus, deafness and optic atrophy. However no sufficient evidence is found to ascertain the role of this particular variant rs779957380 in Wolfram's syndrome yet.

Literature cited by the submitters: PubMed 20738327 (cited by Clinical Genomics, Uppaluri K&H Personalized Medicine Clinic); PubMed 33879153 (cited by Clinical Genomics, Uppaluri K&H Personalized Medicine Clinic); PubMed 12955714 (cited by Clinical Genomics, Uppaluri K&H Personalized Medicine Clinic); PubMed 18060660 (cited by Clinical Genomics, Uppaluri K&H Personalized Medicine Clinic); PubMed 20301750 (cited by Clinical Genomics, Uppaluri K&H Personalized Medicine Clinic); PubMed 17603484 (cited by Clinical Genomics, Uppaluri K&H Personalized Medicine Clinic).